The following is an entry in ClinVar:

ClinVar aggregate classification (germline): Uncertain significance (1 of 4 stars; one submission).

Conditions:
Hereditary cancer-predisposing syndrome. Also called: Tumor predisposition; Hereditary neoplastic syndrome; Hereditary Cancer Syndrome; Neoplastic Syndromes, Hereditary. Identifiers: Orphanet 140162, MedGen C0027672, MeSH D009386, MONDO:0015356.

gnomAD v4.1: 1 of 1,612,740 alleles (0.000062%); highest among the groups gnomAD compares: South Asian, 0.0011%; no homozygotes.

Submission:

Ambry Genetics
Classification: Uncertain significance for Hereditary cancer-predisposing syndrome. Last evaluated: 2023-09-16. Review status: criteria provided, single submitter. Criteria: Ambry Variant Classification Scheme 2023. Collection method: clinical testing. Allele origin: germline.
Comment: The p.P64T variant (also known as c.190C>A), located in coding exon 3 of the NBN gene, results from a C to A substitution at nucleotide position 190. The proline at codon 64 is replaced by threonine, an amino acid with highly similar properties. This amino acid position is conserved. In addition, the in silico prediction for this alteration is inconclusive. Since supporting evidence is limited at this time, the clinical significance of this alteration remains unclear.

NM_002485.5(NBN):c.190C>A (p.Pro64Thr)

Gene: NBN (nibrin; minus strand). Cytogenetic location: 8q21.3.
Variant type: single nucleotide variant.
Coding change: c.190C>A on transcript NM_002485.5 (MANE Select); coding-DNA position 190, C replaced by A.
Protein change: p.Pro64Thr; replaces proline 64 with threonine.
Molecular consequence: missense variant. On other transcripts: 5 prime UTR variant (1).
Genome position (GRCh38, 1-based): chr8:89,981,505, G>T on the plus strand (C>A on the coding strand, the complement: NBN is on the minus strand). VCF-style: chr8-89981505-G-T. GRCh37 (hg19) VCF-style: chr8-90993733-G-T.
Other names: c.-57C>A (NM_001024688.3); short protein forms P64T.
Identifiers: ClinVar variation 3222417 (VCV003222417.1), dbSNP rs267602038, ClinGen allele CA371662604.